The following is an entry in ClinVar:

ClinVar aggregate classification (germline): Uncertain significance (1 of 4 stars; one submission).

Conditions:
3-Methylglutaconic aciduria type 2 (BTHS). Also called: CARDIOSKELETAL MYOPATHY WITH NEUTROPENIA AND ABNORMAL MITOCHONDRIA; Barth syndrome. Identifiers: Orphanet 111, MedGen C0574083, MONDO:0010543, OMIM 302060.

Submission:

Labcorp Genetics (formerly Invitae), Labcorp
Classification: Uncertain significance for 3-Methylglutaconic aciduria type 2. Last evaluated: 2025-07-16. Review status: criteria provided, single submitter. Criteria: Invitae Variant Classification Sherloc (09022015). Collection method: clinical testing. Allele origin: germline.
Comment: This sequence change replaces histidine, which is basic and polar, with tyrosine, which is neutral and polar, at codon 4 of the TAZ protein (p.His4Tyr). This variant is not present in population databases (gnomAD no frequency). This variant has not been reported in the literature in individuals affected with TAZ-related conditions. An algorithm developed to predict the effect of missense changes on protein structure and function (PolyPhen-2) suggests that this variant is likely to be tolerated. In summary, the available evidence is currently insufficient to determine the role of this variant in disease. Therefore, it has been classified as a Variant of Uncertain Significance.

NM_000116.5(TAFAZZIN):c.10C>T (p.His4Tyr)

Genes: DNASE1L1 (deoxyribonuclease 1 like 1; minus strand), TAFAZZIN (tafazzin, phospholipid-lysophospholipid transacylase; plus strand), LOC130068869 (ATAC-STARR-seq lymphoblastoid silent region 21101; plus strand). Cytogenetic location: Xq28.
Variant type: single nucleotide variant.
Coding change: c.10C>T on transcript NM_000116.5 (MANE Select); coding-DNA position 10, C replaced by T.
Protein change: p.His4Tyr; replaces histidine 4 with tyrosine.
Molecular consequence: missense variant. On other transcripts: non-coding transcript variant (1), intron variant (3).
Genome position (GRCh38, 1-based): chrX:154,411,853, C>T. VCF-style: chrX-154411853-C-T. GRCh37 (hg19) VCF-style: chrX-153640190-C-T.
Other names: c.10C>T, p.His4Tyr (NM_001303465.2, NM_001410698.1, NM_001440856.1 and 5 more transcripts); c.-88+38G>A (NM_001009934.3); c.-173+38G>A (NM_001009933.3); c.-431+38G>A (NM_001009932.3); short protein forms H4Y.
Identifiers: ClinVar variation 4762694 (VCV004762694.1).